The following is an entry in ClinVar:

ClinVar aggregate classification (germline): Uncertain significance (1 of 4 stars; one submission).

Submission:

Labcorp Genetics (formerly Invitae), Labcorp
Classification: Uncertain significance. Last evaluated: 2022-10-25. Review status: criteria provided, single submitter. Criteria: Invitae Variant Classification Sherloc (09022015). Collection method: clinical testing. Allele origin: germline.
Comment: This sequence change replaces glutamic acid, which is acidic and polar, with lysine, which is basic and polar, at codon 487 of the FAT4 protein (p.Glu487Lys). This variant is not present in population databases (gnomAD no frequency). This variant has not been reported in the literature in individuals affected with FAT4-related conditions. Advanced modeling of protein sequence and biophysical properties (such as structural, functional, and spatial information, amino acid conservation, physicochemical variation, residue mobility, and thermodynamic stability) performed at Invitae indicates that this missense variant is not expected to disrupt FAT4 protein function. In summary, the available evidence is currently insufficient to determine the role of this variant in disease. Therefore, it has been classified as a Variant of Uncertain Significance.

NM_001291303.3(FAT4):c.1459G>A (p.Glu487Lys)

Gene: FAT4 (FAT atypical cadherin 4; plus strand). Cytogenetic location: 4q28.1.
Variant type: single nucleotide variant.
Coding change: c.1459G>A on transcript NM_001291303.3 (MANE Select); coding-DNA position 1459, G replaced by A.
Protein change: p.Glu487Lys; replaces glutamic acid 487 with lysine.
Molecular consequence: missense variant.
Genome position (GRCh38, 1-based): chr4:125,317,870, G>A. VCF-style: chr4-125317870-G-A. GRCh37 (hg19) VCF-style: chr4-126239025-G-A.
Other names: c.1459G>A, p.Glu487Lys (NM_001291285.3, NM_024582.6); short protein forms E487K.
Identifiers: ClinVar variation 2007863 (VCV002007863.4), dbSNP rs2530428143, ClinGen allele CA358117948.